The following is an entry in ClinVar:

ClinVar aggregate classification (germline): Uncertain significance (1 of 4 stars; one submission).

Submission:

Labcorp Genetics (formerly Invitae), Labcorp
Classification: Uncertain significance. Last evaluated: 2025-05-28. Review status: criteria provided, single submitter. Criteria: Invitae Variant Classification Sherloc (09022015). Collection method: clinical testing. Allele origin: germline.
Comment: This sequence change creates a premature translational stop signal (p.Arg1134Profs*7) in the GPR179 gene. While this is not anticipated to result in nonsense mediated decay, it is expected to disrupt the last 1234 amino acid(s) of the GPR179 protein. This variant is not present in population databases (gnomAD no frequency). This variant has not been reported in the literature in individuals affected with GPR179-related conditions. ClinVar contains an entry for this variant (Variation ID: 1933036). Experimental studies and prediction algorithms are not available or were not evaluated, and the functional significance of this variant is currently unknown. In summary, the available evidence is currently insufficient to determine the role of this variant in disease. Therefore, it has been classified as a Variant of Uncertain Significance.

NM_001004334.4(GPR179):c.3400dup (p.Arg1134fs)

Gene: GPR179 (G protein-coupled receptor 179; minus strand). Cytogenetic location: 17q12.
Variant type: Duplication.
Coding change: c.3400dup on transcript NM_001004334.4 (MANE Select); coding-DNA position 3400, one base duplicated (C; older notation c.3400dupC).
Protein change: p.Arg1134fs; shifts the reading frame from arginine 1134.
Molecular consequence: frameshift variant.
Genome position (GRCh38, 1-based): chr17:38,330,169, G duplicated on the plus strand (C on the coding strand, the reverse complement: GPR179 is on the minus strand); the first of 2 consecutive G bases (chr17:38,330,169-38,330,170); duplicating either gives the same sequence. VCF-style (leftmost placement, unchanged base first): chr17-38330168-C-CG. GRCh37 (hg19) VCF-style: chr17-36486051-C-CG.
Other names: short protein forms R1134fs.
Identifiers: ClinVar variation 1933036 (VCV001933036.4), dbSNP rs2037339077, ClinGen allele CA2258552795.